The following is an entry in ClinVar:

NM_017534.6(MYH2):c.3477C>T (p.Ala1159=)

Genes: MYH2 (myosin heavy chain 2; minus strand), MYHAS (myosin heavy chain gene cluster antisense RNA; plus strand). Cytogenetic location: 17p13.1.
Variant type: single nucleotide variant.
Coding change: c.3477C>T on transcript NM_017534.6 (MANE Select); coding-DNA position 3477, C replaced by T.
Protein change: p.Ala1159=; no amino-acid change (alanine 1159 retained).
Molecular consequence: synonymous variant.
Genome position (GRCh38, 1-based): chr17:10,528,957, G>A on the plus strand (C>T on the coding strand, the complement: MYH2 is on the minus strand). VCF-style: chr17-10528957-G-A. GRCh37 (hg19) VCF-style: chr17-10432274-G-A.
Other names: p.Ala1159=; c.3477C>T, p.Ala1159= (NM_001100112.2).
Identifiers: ClinVar variation 705426 (VCV000705426.11), dbSNP rs193162376, ClinGen allele CA8390884.

ClinVar aggregate classification (germline): Likely benign. Review status: criteria provided, multiple submitters, no conflicts (2 of 4 stars). 3 submissions from 3 submitters: Likely benign (3). Last evaluated 2025-12-18.

Conditions:
Myopathy, proximal, and ophthalmoplegia (CMYO6). Also called: MYOPATHY WITH CONGENITAL JOINT CONTRACTURES, OPHTHALMOPLEGIA, AND RIMMED VACUOLES; INCLUSION BODY MYOPATHY 3, AUTOSOMAL DOMINANT; CONGENITAL MYOPATHY 6 WITH OPHTHALMOPLEGIA. Identifiers: Orphanet 363677, Orphanet 79091, MedGen C1854106, MONDO:0011577, OMIM 605637.

Allele frequency attached by ClinVar (database versions not stated): gnomAD 0.00013; gnomAD exomes 0.00016; ESP Exome Variant Server 0.00023; TOPMed 0.00024; 1000 Genomes Project 0.00040; 1000 Genomes Project 30x 0.00047.

Submissions (3):

Mayo Clinic Laboratories, Mayo Clinic
Classification: Likely benign. Last evaluated: 2025-12-18. Review status: criteria provided, single submitter. Criteria: ACMG Guidelines, 2015. Collection method: clinical testing. Allele origin: germline. Observed: 1 variant allele.
Comment: BP4, BP7

Labcorp Genetics (formerly Invitae), Labcorp
Classification: Likely benign for Myopathy, proximal, and ophthalmoplegia. Last evaluated: 2025-05-08. Review status: criteria provided, single submitter. Criteria: Invitae Variant Classification Sherloc (09022015). Collection method: clinical testing. Allele origin: germline.

Blueprint Genetics
Classification: Likely benign. Last evaluated: 2024-11-04. Review status: criteria provided, single submitter. Criteria: ACMG Guidelines, 2015. Collection method: clinical testing. Allele origin: germline.